The following is an entry in ClinVar:

NM_001170738.2(IQSEC3):c.285G>A (p.Gln95=)

Gene: IQSEC3 (IQ motif and Sec7 domain ArfGEF 3; plus strand). Cytogenetic location: 12p13.33.
Variant type: single nucleotide variant.
Coding change: c.285G>A on transcript NM_001170738.2 (MANE Select); coding-DNA position 285, G replaced by A.
Protein change: p.Gln95=; no amino-acid change (glutamine 95 retained).
Molecular consequence: synonymous variant.
Genome position (GRCh38, 1-based): chr12:67,167, G>A. VCF-style: chr12-67167-G-A. GRCh37 (hg19) VCF-style: chr12-176333-G-A.
Identifiers: ClinVar variation 2642555 (VCV002642555.24), dbSNP rs563815894, ClinGen allele CA6375969.

ClinVar aggregate classification (germline): Likely benign (1 of 4 stars; one submission).

Allele frequency attached by ClinVar (database versions not stated): 1000 Genomes Project 30x 0.00016; 1000 Genomes Project 0.00020; ExAC 0.00102.

Submission:

CeGaT Center for Human Genetics Tuebingen
Classification: Likely benign. Last evaluated: 2022-10-01. Review status: criteria provided, single submitter. Criteria: CeGaT Center For Human Genetics Tuebingen Variant Classification Criteria Version 2. Collection method: clinical testing. Allele origin: germline. Affected: yes. Observed: 1 variant allele.
Comment: IQSEC3: BP4, BP7